The following is an entry in ClinVar:

NM_181861.2(APAF1):c.2345A>C (p.Asn782Thr)

Gene: APAF1 (apoptotic peptidase activating factor 1; plus strand). Cytogenetic location: 12q23.1.
Variant type: single nucleotide variant.
Coding change: c.2345A>C on transcript NM_181861.2 (MANE Select); coding-DNA position 2345, A replaced by C.
Protein change: p.Asn782Thr; replaces asparagine 782 with threonine.
Molecular consequence: missense variant. On other transcripts: intron variant (1).
Genome position (GRCh38, 1-based): chr12:98,699,448, A>C. VCF-style: chr12-98699448-A-C. GRCh37 (hg19) VCF-style: chr12-99093226-A-C.
Other names: c.2312A>C, p.Asn771Thr (NM_001160.3, NM_013229.3); c.2345A>C, p.Asn782Thr (NM_181868.2); c.956-32972A>C (NM_181869.2); short protein forms N771T, N782T.
Identifiers: ClinVar variation 3024766 (VCV003024766.22), dbSNP rs117235991, ClinGen allele CA6734236.

ClinVar aggregate classification (germline): Benign (1 of 4 stars; one submission).

Allele frequency attached by ClinVar (database versions not stated): 1000 Genomes Project 30x 0.00500; 1000 Genomes Project 0.00539; TOPMed 0.00730; gnomAD 0.00789; gnomAD exomes 0.00905; ESP Exome Variant Server 0.00961; ExAC 0.01002.
gnomAD v4.1: 14,457 of 1,614,144 alleles (0.9%); highest among the groups gnomAD compares: Middle Eastern, 1.8%; 99 homozygotes.

Submission:

CeGaT Center for Human Genetics Tuebingen
Classification: Benign. Last evaluated: 2023-12-01. Review status: criteria provided, single submitter. Criteria: CeGaT Center For Human Genetics Tuebingen Variant Classification Criteria Version 2. Collection method: clinical testing. Allele origin: germline. Affected: yes. Observed: 1 variant allele.
Comment: APAF1: BP4, BS1, BS2